The following is an entry in ClinVar:

ClinVar aggregate classification (germline): Uncertain significance (1 of 4 stars; one submission).

Conditions:
Mucopolysaccharidosis, MPS-III-C (MPS3C). Also called: SANFILIPPO SYNDROME C; MPS III C; mucopolysaccharidosis type 3C; MUCOPOLYSACCHARIDOSIS, TYPE IIIC; MPS IIIC (Sanfilippo Syndrome Type C); Mucopolysaccharidosis type IIIC (Sanfilippo C). Identifiers: Orphanet 581, Orphanet 79271, MedGen C0086649, MONDO:0009657, OMIM 252930.
Retinitis pigmentosa 73 (RP73). Identifiers: Orphanet 791, MedGen C4225287, MONDO:0014687, OMIM 616544.

Submission:

Labcorp Genetics (formerly Invitae), Labcorp
Classification: Uncertain significance for Retinitis pigmentosa 73; Mucopolysaccharidosis, MPS-III-C. Last evaluated: 2025-10-27. Review status: criteria provided, single submitter. Criteria: Invitae Variant Classification Sherloc (09022015). Collection method: clinical testing. Allele origin: germline.
Comment: This sequence change replaces valine, which is neutral and non-polar, with isoleucine, which is neutral and non-polar, at codon 584 of the HGSNAT protein (p.Val584Ile). Information on the frequency of this variant in the gnomAD database is not available, as this variant may be reported differently in the database. This variant has not been reported in the literature in individuals affected with HGSNAT-related conditions. ClinVar contains an entry for this variant (Variation ID: 2081403). An algorithm developed to predict the effect of missense changes on protein structure and function outputs the following: PolyPhen-2: "Not Available". The isoleucine amino acid residue is found in multiple mammalian species, which suggests that this missense change does not adversely affect protein function. In summary, the available evidence is currently insufficient to determine the role of this variant in disease. Therefore, it has been classified as a Variant of Uncertain Significance.

NM_152419.3(HGSNAT):c.1749_1750inv (p.Val584Ile)

Gene: HGSNAT (heparan-alpha-glucosaminide N-acetyltransferase; plus strand). Cytogenetic location: 8p11.21.
Variant type: Inversion.
Coding change: c.1749_1750inv on transcript NM_152419.3 (MANE Select).
Protein change: p.Val584Ile; replaces valine 584 with isoleucine.
Molecular consequence: missense variant.
Genome position: GRCh38 VCF-style: chr8-43199410-TG-CA. GRCh37 (hg19) VCF-style: chr8-43054553-TG-CA.
Other names: c.1836_1837inv, p.Val613Ile (NM_001363227.2); c.1557_1558inv, p.Val520Ile (NM_001363228.2); c.885_886inv, p.Val296Ile (NM_001363229.2); short protein forms V296I, V613I, V520I, V584I.
Identifiers: ClinVar variation 2081403 (VCV002081403.3), ClinGen allele CA2580078321.